The following is an entry in ClinVar:

ClinVar aggregate classification (germline): Pathogenic (0 of 4 stars; one submission).

Conditions:
beta Thalassemia (BTHAL). Also called: Cooley's anemia; Erythroblastic anemia; Mediterranean anemia. Identifiers: Orphanet 848, MedGen C0005283, MONDO:0019402. Disease mechanism: loss of function.

Submission:

Department of Medical Genetics, Yunnan Provincial Key Laboratory for Birth Defects and Genetic Diseases, The First People’s Hospital of Yunnan Province
Classification: Pathogenic for beta-Thalassemia. Last evaluated: 2021-03-01. Review status: no assertion criteria provided. Collection method: clinical testing. Allele origin: inherited. Affected: yes. Observed: 2 variant alleles.
Comment: Hematological data were as follows: Hb 77 g/L, MCV66.2 fL, MCH 20.6pg.

NC_000011.10:g.5224303_5227790del

Genes: HBB (hemoglobin subunit beta; minus strand), LOC106099062 (HBB recombination region; plus strand), LOC107133510 (origin of replication at HBB; plus strand), LOC110006319 (beta-globin gene 3' regulatory region; plus strand). Cytogenetic location: 11p15.4.
Variant type: Deletion.
Genome position: GRCh38: chr11:5,224,303-5,227,790. GRCh37 (hg19): chr11:5,245,533-5,249,020.
Identifiers: ClinVar variation 1048666 (VCV001048666.3), ClinGen allele CA2499220996.